The following is an entry in ClinVar:

ClinVar aggregate classification (germline): Benign. Review status: criteria provided, multiple submitters, no conflicts (2 of 4 stars). 2 submissions from 2 submitters: Benign (2). Last evaluated 2021-05-12.

Conditions:
Pseudohypoaldosteronism type 2D (PHA2D). Also called: FAMILIAL HYPERKALEMIC HYPERTENSION; PSEUDOHYPOALDOSTERONISM, TYPE IID, AUTOSOMAL DOMINANT OR RECESSIVE; Pseudohypoaldosteronism Type IID. Identifiers: Orphanet 300525, Orphanet 757, MedGen C3469605, MONDO:0013781, OMIM 614495.

Allele frequency attached by ClinVar (database versions not stated): 1000 Genomes Project 30x 0.62539; 1000 Genomes Project 0.62660; TOPMed 0.63874; gnomAD 0.65348 and 0.65359; gnomAD exomes 0.70536.
gnomAD v4.1: 99,473 of 152,034 alleles (65%); highest among the groups gnomAD compares: South Asian, 72%; 32,833 homozygotes.

Submissions (2):

GeneDx
Classification: Benign. Last evaluated: 2021-05-12. Review status: criteria provided, single submitter. Criteria: GeneDx Variant Classification Process June 2021. Collection method: clinical testing. Allele origin: germline. Affected: yes.

Illumina Laboratory Services, Illumina
Classification: Benign for Pseudohypoaldosteronism type 2D. Last evaluated: 2018-01-12. Review status: criteria provided, single submitter. Criteria: ICSL Variant Classification Criteria 13 December 2019. Collection method: clinical testing. Allele origin: germline.
Comment: This variant was observed in the ICSL laboratory as part of a predisposition screen in an ostensibly healthy population. It had not been previously curated by ICSL or reported in the Human Gene Mutation Database (HGMD: prior to June 1st, 2018), and was therefore a candidate for classification through an automated scoring system. Utilizing variant allele frequency, disease prevalence and penetrance estimates, and inheritance mode, an automated score was calculated to assess if this variant is too frequent to cause the disease. Based on the score and internal cut-off values, a variant classified as benign is not then subjected to further curation. The score for this variant resulted in a classification of benign for this disease.

NM_017415.3(KLHL3):c.*4210A>G

Gene: KLHL3 (kelch like family member 3; minus strand). Cytogenetic location: 5q31.2.
Variant type: single nucleotide variant.
Coding change: c.*4210A>G on transcript NM_017415.3 (MANE Select); 4210 bases downstream of the stop codon, A replaced by G.
Molecular consequence: 3 prime UTR variant.
Genome position (GRCh38, 1-based): chr5:137,617,888, T>C on the plus strand (A>G on the coding strand, the complement: KLHL3 is on the minus strand). VCF-style: chr5-137617888-T-C. GRCh37 (hg19) VCF-style: chr5-136953577-T-C.
Other names: c.*4210A>G (NM_001257194.1, NM_001257195.2).
Identifiers: ClinVar variation 350923 (VCV000350923.7), dbSNP rs6863414, ClinGen allele CA10622732.
Genomic context (GRCh38, chr5:137,617,888, plus strand): 5'-ATTAAACAAGAAGTACAACAAGGGTCCTCTATTGCCACTGAAAATGAGGGGAGGGGAGGA[T>C]GGGGGAGCGAATAATTTACAATCTCATAACCAAACATGGCACTAGGGTGATTTGATGCTG-3'